The following is an entry in ClinVar:

NM_001844.5(COL2A1):c.2798G>A (p.Gly933Glu)

Gene: COL2A1 (collagen type II alpha 1 chain; minus strand). Cytogenetic location: 12q13.11.
Variant type: single nucleotide variant.
Coding change: c.2798G>A on transcript NM_001844.5 (MANE Select); coding-DNA position 2798, G replaced by A.
Protein change: p.Gly933Glu; replaces glycine 933 with glutamic acid.
Molecular consequence: missense variant.
Genome position (GRCh38, 1-based): chr12:47,978,694, C>T on the plus strand (G>A on the coding strand, the complement: COL2A1 is on the minus strand). VCF-style: chr12-47978694-C-T. GRCh37 (hg19) VCF-style: chr12-48372477-C-T.
Other names: c.2591G>A, p.Gly864Glu (NM_033150.3); short protein forms G864E, G933E.
Identifiers: ClinVar variation 1027389 (VCV001027389.6), dbSNP rs2136528309, ClinGen allele CA384542284.

ClinVar aggregate classification (germline): Likely pathogenic. Review status: criteria provided, single submitter (1 of 4 stars). 2 submissions from 2 submitters: Likely pathogenic (1). 1 of the submissions does not count toward it. Last evaluated 2022-08-10.

Conditions:
Platyspondylic dysplasia, Torrance type (PLSDT). Identifiers: Orphanet 85166, MedGen C1835437, MONDO:0007895, OMIM 151210.

Submissions (2):

Labcorp Genetics (formerly Invitae), Labcorp
Classification: Likely pathogenic. Last evaluated: 2022-08-10. Review status: criteria provided, single submitter. Criteria: Invitae Variant Classification Sherloc (09022015). Collection method: clinical testing. Allele origin: germline.
Comment: In summary, the currently available evidence indicates that the variant is pathogenic, but additional data are needed to prove that conclusively. Therefore, this variant has been classified as Likely Pathogenic. This variant disrupts the triple helix domain of COL2A1. Glycine residues within the Gly-Xaa-Yaa repeats of the triple helix domain are required for the structure and stability of fibrillar collagens (PMID: 7695699, 8218237, 19344236). In COL2A1, variants affecting these glycine residues are significantly enriched in individuals with disease (PMID: 9016532, 17078022) compared to the general population (ExAC). Advanced modeling of protein sequence and biophysical properties (such as structural, functional, and spatial information, amino acid conservation, physicochemical variation, residue mobility, and thermodynamic stability) performed at Invitae indicates that this missense variant is expected to disrupt COL2A1 protein function. ClinVar contains an entry for this variant (Variation ID: 1027389). This variant has not been reported in the literature in individuals affected with COL2A1-related conditions. This variant is not present in population databases (gnomAD no frequency). This sequence change replaces glycine, which is neutral and non-polar, with glutamic acid, which is acidic and polar, at codon 933 of the COL2A1 protein (p.Gly933Glu).

Institute of Medical Genetics, Medical University of Vienna
Classification: Pathogenic for Platyspondylic dysplasia, Torrance type. Last evaluated: 2021-03-10. Review status: no assertion criteria provided. Collection method: clinical testing. Allele origin: de novo. Affected: yes. Not counted in ClinVar's aggregate classification.

Literature cited by the submitters: PubMed 7695699 (cited by Labcorp Genetics (formerly Invitae), Labcorp); PubMed 8218237 (cited by Labcorp Genetics (formerly Invitae), Labcorp); PubMed 19344236 (cited by Labcorp Genetics (formerly Invitae), Labcorp); PubMed 9016532 (cited by Labcorp Genetics (formerly Invitae), Labcorp); PubMed 17078022 (cited by Labcorp Genetics (formerly Invitae), Labcorp).